The following is an entry in ClinVar:

ClinVar aggregate classification (germline): Conflicting classifications of pathogenicity. Review status: criteria provided, conflicting classifications (1 of 4 stars). 7 submissions from 7 submitters: Uncertain significance (1); Benign (2); Likely benign (1). 3 of the submissions do not count toward it. Last evaluated 2025-12-29.

Conditions:
PHEX-related disorder. Also called: PHEX-related condition.
Familial X-linked hypophosphatemic vitamin D refractory rickets (XLHRD). Also called: X-Linked Hypophosphatemia; HYPOPHOSPHATEMIC VITAMIN D-RESISTANT RICKETS; Hypophosphatemic Rickets, X-Linked Dominant; Hypophosphatemia, vitamin D-resistant rickets; Vitamin D-resistant rickets, X-linked. Identifiers: Orphanet 89936, MedGen C0733682, MONDO:0010619, OMIM 307800.
Hypophosphatemic rickets. Identifiers: MedGen C1704375, MeSH D063730, MONDO:0024300, HP:0004912.

Allele frequency attached by ClinVar (database versions not stated): gnomAD 0.00006 and 0.00100; TOPMed 0.00027; gnomAD exomes 0.00239 and 0.00452; ExAC 0.00529; 1000 Genomes Project 30x 0.00832; 1000 Genomes Project 0.00901.
gnomAD v4.1: 2,507 of 1,114,736 alleles (0.22%); highest among the groups gnomAD compares: South Asian, 4.3%; 37 homozygotes.

Submissions (7):

Labcorp Genetics (formerly Invitae), Labcorp
Classification: Benign. Last evaluated: 2025-12-29. Review status: criteria provided, single submitter. Criteria: Invitae Variant Classification Sherloc (09022015). Collection method: clinical testing. Allele origin: germline.

Laboratory of Cyto-molecular Genetics, Department of Anatomy, All India Institute of Medical Sciences (AIIMS), New Delhi
Classification: Uncertain significance for Hypophosphatemic rickets. Last evaluated: 2022-03-07. Review status: criteria provided, single submitter. Criteria: ACMG Guidelines, 2015. Collection method: clinical testing. Allele origin: germline. Affected: yes. Observed: 3 variant alleles.
Comment: splice site variant at exon 1-intron 1 junction

GeneDx
Classification: Likely benign. Last evaluated: 2021-12-25. Review status: criteria provided, single submitter. Criteria: GeneDx Variant Classification Process June 2021. Collection method: clinical testing. Allele origin: germline. Affected: yes.
Comment: See Variant Classification Assertion Criteria.

Illumina Laboratory Services, Illumina
Classification: Benign for Familial X-linked hypophosphatemic vitamin D refractory rickets. Last evaluated: 2018-01-13. Review status: criteria provided, single submitter. Criteria: ICSL Variant Classification Criteria 13 December 2019. Collection method: clinical testing. Allele origin: germline.
Comment: This variant was observed in the ICSL laboratory as part of a predisposition screen in an ostensibly healthy population. It had not been previously curated by ICSL or reported in the Human Gene Mutation Database (HGMD: prior to June 1st, 2018), and was therefore a candidate for classification through an automated scoring system. Utilizing variant allele frequency, disease prevalence and penetrance estimates, and inheritance mode, an automated score was calculated to assess if this variant is too frequent to cause the disease. Based on the score and internal cut-off values, a variant classified as benign is not then subjected to further curation. The score for this variant resulted in a classification of benign for this disease.

PreventionGenetics, part of Exact Sciences
Classification: Benign for PHEX-related condition. Last evaluated: 2019-02-22. Review status: no assertion criteria provided. Collection method: clinical testing. Allele origin: germline. Not counted in ClinVar's aggregate classification.
Comment: This variant is classified as benign based on ACMG/AMP sequence variant interpretation guidelines (Richards et al. 2015 PMID: 25741868, with internal and published modifications).

Genome Diagnostics Laboratory, University Medical Center Utrecht
Classification: Benign. Review status: no assertion criteria provided. Collection method: clinical testing. Allele origin: germline. Affected: yes. Study: VKGL Data-share Consensus. Not counted in ClinVar's aggregate classification.

Laboratory of Diagnostic Genome Analysis, Leiden University Medical Center (LUMC)
Classification: Likely benign. Review status: no assertion criteria provided. Collection method: clinical testing. Allele origin: germline. Affected: yes. Study: VKGL Data-share Consensus. Not counted in ClinVar's aggregate classification.

Literature cited by the submitters: PubMed 35738466 (cited by Laboratory of Cyto-molecular Genetics, Department of Anatomy, All India Institute of Medical Sciences (AIIMS), New Delhi).

NM_000444.6(PHEX):c.118+7G>T

Gene: PHEX (phosphate regulating endopeptidase X-linked; plus strand). Cytogenetic location: Xp22.11.
Variant type: single nucleotide variant.
Coding change: c.118+7G>T on transcript NM_000444.6 (MANE Select); 7 bases into the intron after coding-DNA position 118, G replaced by T.
Molecular consequence: intron variant.
Genome position (GRCh38, 1-based): chrX:22,033,130, G>T. VCF-style: chrX-22033130-G-T. GRCh37 (hg19) VCF-style: chrX-22051248-G-T.
Other names: c.118+7G>T (NM_001282754.2).
Identifiers: ClinVar variation 368159 (VCV000368159.20), dbSNP rs534550003, ClinGen allele CA10367962.